The following is an entry in ClinVar:

ClinVar aggregate classification (germline): Benign (1 of 4 stars; one submission).

Allele frequency attached by ClinVar (database versions not stated): 1000 Genomes Project 0.10743; 1000 Genomes Project 30x 0.11071; gnomAD 0.16414 and 0.16992; TOPMed 0.16421.
gnomAD v4.1: 25,068 of 152,150 alleles (16%); highest among the groups gnomAD compares: Middle Eastern, 21%; 2,252 homozygotes.

Submission:

GeneDx
Classification: Benign. Last evaluated: 2018-06-14. Review status: criteria provided, single submitter. Criteria: GeneDx Variant Classification (06012015). Collection method: clinical testing. Allele origin: germline. Affected: yes.
Comment: This variant is considered likely benign or benign based on one or more of the following criteria: it is a conservative change, it occurs at a poorly conserved position in the protein, it is predicted to be benign by multiple in silico algorithms, and/or has population frequency not consistent with disease.

NM_005002.5(NDUFA9):c.656-274C>T

Gene: NDUFA9 (NADH:ubiquinone oxidoreductase subunit A9; plus strand). Cytogenetic location: 12p13.32.
Variant type: single nucleotide variant.
Coding change: c.656-274C>T on transcript NM_005002.5 (MANE Select); 274 bases into the intron before coding-DNA position 656, C replaced by T.
Molecular consequence: intron variant.
Genome position (GRCh38, 1-based): chr12:4,668,183, C>T. VCF-style: chr12-4668183-C-T. GRCh37 (hg19) VCF-style: chr12-4777349-C-T.
Identifiers: ClinVar variation 671526 (VCV000671526.1), dbSNP rs17701871, ClinGen allele CA13660895.